The following is an entry in ClinVar:

NC_000023.10:g.(?_53421698)_(53459359_?)dup

Genes: HSD17B10 (hydroxysteroid 17-beta dehydrogenase 10; minus strand), RIBC1 (RIB43A domain with coiled-coils 1; plus strand), SMC1A (structural maintenance of chromosomes 1A; minus strand). Cytogenetic location: Xp11.22.
Variant type: Duplication.
Identifiers: ClinVar variation 999783 (VCV000999783.5).

ClinVar aggregate classification (germline): Uncertain significance (1 of 4 stars; one submission).

Submission:

Labcorp Genetics (formerly Invitae), Labcorp
Classification: Uncertain significance. Last evaluated: 2022-07-26. Review status: criteria provided, single submitter. Criteria: Invitae Variant Classification Sherloc (09022015). Collection method: clinical testing. Allele origin: germline.
Comment: This variant results in a copy number gain of the genomic region encompassing exon(s) 3-6 of the HSD17B10 gene. This region includes the termination codon of the gene. This copy number gain extends beyond the assayed region for this gene and therefore may encompass additional genes. As the precise location of this event is unknown, it may be in tandem or it may be located elsewhere in the genome. This variant has not been reported in the literature in individuals affected with HSD17B10-related conditions. In summary, the available evidence is currently insufficient to determine the role of this variant in disease. Therefore, it has been classified as a Variant of Uncertain Significance.